The following is an entry in ClinVar:

NM_182961.4(SYNE1):c.10430A>G (p.Gln3477Arg)

Gene: SYNE1 (spectrin repeat containing nuclear envelope protein 1; minus strand). Cytogenetic location: 6q25.2.
Variant type: single nucleotide variant.
Coding change: c.10430A>G on transcript NM_182961.4 (MANE Select); coding-DNA position 10430, A replaced by G.
Protein change: p.Gln3477Arg; replaces glutamine 3477 with arginine.
Molecular consequence: missense variant.
Genome position (GRCh38, 1-based): chr6:152,359,328, T>C on the plus strand (A>G on the coding strand, the complement: SYNE1 is on the minus strand). VCF-style: chr6-152359328-T-C. GRCh37 (hg19) VCF-style: chr6-152680463-T-C.
Other names: c.10451A>G, p.Gln3484Arg (NM_033071.5); short protein forms Q3477R, Q3484R.
Identifiers: ClinVar variation 2095156 (VCV002095156.4), dbSNP rs2488701691, ClinGen allele CA366128248.
Genomic context (GRCh38, chr6:152,359,328, plus strand): 5'-AAACACTCCCCTTTTGGTGAGTCTACAAGGAAAGTGCTTTGCCGTACCTTGGCCCTCTCT[T>C]GGATGGCTCTGTATCGTTCCTGTAGATCCTGGAGTTCTAGCTGGGTGACATAGTGTTCTG-3'
Protein context (NP_892006.3, residues 3467-3487): QDLQERYRAI[Gln3477Arg]ERAKEAVTKS

ClinVar aggregate classification (germline): Uncertain significance (1 of 4 stars; one submission).

Conditions:
Emery-Dreifuss muscular dystrophy 4, autosomal dominant (EDMD4). Also called: EMERY-DREIFUSS MUSCULAR DYSTROPHY 4 WITH VARIABLE FEATURES. Identifiers: Orphanet 261, MedGen C2751807, MONDO:0013071, OMIM 612998.
Autosomal recessive ataxia, Beauce type. Also called: SYNE1 Deficiency; Spinocerebellar ataxia, autosomal recessive 8; ATAXIA, RECESSIVE, OF BEAUCE; SYNE1-Related Autosomal Recessive Cerebellar Ataxia. Identifiers: Orphanet 88644, MedGen C1853116, MONDO:0012549, OMIM 610743.

Submission:

Labcorp Genetics (formerly Invitae), Labcorp
Classification: Uncertain significance for Emery-Dreifuss muscular dystrophy 4, autosomal dominant; Autosomal recessive ataxia, Beauce type. Last evaluated: 2022-02-19. Review status: criteria provided, single submitter. Criteria: Invitae Variant Classification Sherloc (09022015). Collection method: clinical testing. Allele origin: germline.
Comment: In summary, the available evidence is currently insufficient to determine the role of this variant in disease. Therefore, it has been classified as a Variant of Uncertain Significance. Algorithms developed to predict the effect of missense changes on protein structure and function output the following: SIFT: "Tolerated"; PolyPhen-2: "Benign"; Align-GVGD: "Class C0". The arginine amino acid residue is found in multiple mammalian species, which suggests that this missense change does not adversely affect protein function. This variant has not been reported in the literature in individuals affected with SYNE1-related conditions. This variant is not present in population databases (gnomAD no frequency). This sequence change replaces glutamine, which is neutral and polar, with arginine, which is basic and polar, at codon 3484 of the SYNE1 protein (p.Gln3484Arg).